The following is an entry in ClinVar:

ClinVar aggregate classification (germline): Likely benign. Review status: criteria provided, multiple submitters, no conflicts (2 of 4 stars). 3 submissions from 3 submitters: Likely benign (3). Last evaluated 2025-08-31.

Conditions:
Bethlem myopathy 1A. Also called: MYOPATHY, BENIGN CONGENITAL, WITH CONTRACTURES; Bethlem Muscular Dystrophy; Bethlem myopathy 1. Identifiers: Orphanet 610, MedGen CN029274, MONDO:0024530, OMIM 158810.

Allele frequency attached by ClinVar (database versions not stated): gnomAD 0.00007 and 0.00009; ExAC 0.00008; gnomAD exomes 0.00008 and 0.00010; TOPMed 0.00010; ESP Exome Variant Server 0.00015.
gnomAD v4.1: 162 of 1,611,964 alleles (0.01%); highest among the groups gnomAD compares: Non-Finnish European, 0.013%; no homozygotes.

Submissions (3):

Labcorp Genetics (formerly Invitae), Labcorp
Classification: Likely benign for Bethlem myopathy 1A. Last evaluated: 2025-08-31. Review status: criteria provided, single submitter. Criteria: Invitae Variant Classification Sherloc (09022015). Collection method: clinical testing. Allele origin: germline.

GeneDx
Classification: Likely benign. Last evaluated: 2016-09-29. Review status: criteria provided, single submitter. Criteria: GeneDx Variant Classification (06012015). Collection method: clinical testing. Allele origin: germline. Affected: yes.
Comment: This variant is considered likely benign or benign based on one or more of the following criteria: it is a conservative change, it occurs at a poorly conserved position in the protein, it is predicted to be benign by multiple in silico algorithms, and/or has population frequency not consistent with disease.

Breakthrough Genomics
Classification: Likely benign. Review status: criteria provided, single submitter. Criteria: ACMG Guidelines, 2015. Collection method: not provided. Allele origin: germline. Inheritance: Autosomal recessive inheritance. Affected: yes.

NM_001849.4(COL6A2):c.855+19C>T

Gene: COL6A2 (collagen type VI alpha 2 chain; plus strand). Cytogenetic location: 21q22.3.
Variant type: single nucleotide variant.
Coding change: c.855+19C>T on transcript NM_001849.4 (MANE Select); 19 bases into the intron after coding-DNA position 855, C replaced by T.
Molecular consequence: intron variant.
Genome position (GRCh38, 1-based): chr21:46,115,944, C>T. VCF-style: chr21-46115944-C-T. GRCh37 (hg19) VCF-style: chr21-47535858-C-T.
Other names: c.855+19C>T (NM_058175.3, NM_058174.3).
Identifiers: ClinVar variation 389341 (VCV000389341.10), dbSNP rs373366455, ClinGen allele CA10071489.
Genomic context (GRCh38, chr21:46,115,944, plus strand): 5'-AACATGGGTGAGCCGGGAGAGCCTGGCCAGAAGGGAAGACAGGTGAGTGTCCTTGCCCCA[C>T]GCCCGCCCCGCCTGCAGCCCAGCGCCCCAGGGCTGGGCTCACACTGCTGCGTTGTCCTTC-3'